The following is an entry in ClinVar:

ClinVar aggregate classification (germline): Uncertain significance (1 of 4 stars; one submission).

Conditions:
Intellectual disability-epilepsy-extrapyramidal syndrome (NEDHELS). Also called: Dyskinesia, seizures, and intellectual developmental disorder. Identifiers: Orphanet 468620, MedGen C4310683, MONDO:0014952, OMIM 617171.

Submission:

Center for Human Genetics and Genomic Medicine, Uniklinik Rwth Aachen
Classification: Uncertain significance for Intellectual disability-epilepsy-extrapyramidal syndrome. Last evaluated: 2021-11-02. Review status: criteria provided, single submitter. Criteria: ACMG Guidelines, 2015. Collection method: clinical testing. Allele origin: unknown. Inheritance: Autosomal dominant inheritance. Affected: yes.
Comment: The proven change has not yet been reported in the relevant databases (dbSNP151, gnomAD, ClinVar) or in the literature. It lies in the SAND domain and affects the canonical splice acceptor site of intron 5. A possibly resulting exon skipping of exon 6 could be associated with a loss of 66 nucleotides / 22 amino acids and in this case would not result in a frameshift. Based on the current state of knowledge, the variant is to be classified as a "variant of uncertain significance" (ACMG criteria).

NM_021008.4(DEAF1):c.805-1G>C

Gene: DEAF1 (DEAF1 transcription factor; minus strand). Cytogenetic location: 11p15.5.
Variant type: single nucleotide variant.
Coding change: c.805-1G>C on transcript NM_021008.4 (MANE Select); the canonical splice acceptor site of the intron before coding-DNA position 805, G replaced by C.
Molecular consequence: splice acceptor variant.
Genome position (GRCh38, 1-based): chr11:684,964, C>G on the plus strand (G>C on the coding strand, the complement: DEAF1 is on the minus strand). VCF-style: chr11-684964-C-G. GRCh37 (hg19) VCF-style: chr11-684964-C-G.
Other names: c.79-1G>C (NM_001367390.1, NM_001440885.1, NM_001440887.1 and 1 more transcripts); c.665-1G>C (NM_001293634.2); c.805-1G>C (NM_001440884.1, NM_001440883.1).
Identifiers: ClinVar variation 1320303 (VCV001320303.2), dbSNP rs2133395122, ClinGen allele CA378930399.